The following is an entry in ClinVar:

NM_002693.3(POLG):c.2322G>A (p.Met774Ile)

Gene: POLG (DNA polymerase gamma, catalytic subunit; minus strand). Cytogenetic location: 15q26.1.
Variant type: single nucleotide variant.
Coding change: c.2322G>A on transcript NM_002693.3 (MANE Select); coding-DNA position 2322, G replaced by A.
Protein change: p.Met774Ile; replaces methionine 774 with isoleucine.
Molecular consequence: missense variant.
Genome position (GRCh38, 1-based): chr15:89,322,846, C>T on the plus strand (G>A on the coding strand, the complement: POLG is on the minus strand). VCF-style: chr15-89322846-C-T. GRCh37 (hg19) VCF-style: chr15-89866077-C-T.
Other names: c.2322G>A, p.Met774Ile (NM_001126131.2); short protein forms M774I.
Identifiers: ClinVar variation 1375189 (VCV001375189.6), dbSNP rs754144065, ClinGen allele CA393756479.

ClinVar aggregate classification (germline): Uncertain significance (1 of 4 stars; one submission).

Conditions:
Progressive sclerosing poliodystrophy (MTDPS4A). Also called: Mitochondrial DNA depletion syndrome 4A (Alpers type); ALPERS PROGRESSIVE INFANTILE POLIODYSTROPHY; NEURONAL DEGENERATION OF CHILDHOOD WITH LIVER DISEASE, PROGRESSIVE; Mitochondrial DNA Depletion Syndrome 4A; Alpers-Huttenlocher Syndrome (AHS); Alpers Syndrome. Identifiers: Orphanet 726, MedGen C0205710, MONDO:0008758, OMIM 203700.

Submission:

Labcorp Genetics (formerly Invitae), Labcorp
Classification: Uncertain significance for Progressive sclerosing poliodystrophy. Last evaluated: 2021-08-15. Review status: criteria provided, single submitter. Criteria: Invitae Variant Classification Sherloc (09022015). Collection method: clinical testing. Allele origin: germline.
Comment: This sequence change replaces methionine with isoleucine at codon 774 of the POLG protein (p.Met774Ile). The methionine residue is moderately conserved and there is a small physicochemical difference between methionine and isoleucine. This variant is not present in population databases (ExAC no frequency). This variant has not been reported in the literature in individuals affected with POLG-related conditions. Algorithms developed to predict the effect of missense changes on protein structure and function are either unavailable or do not agree on the potential impact of this missense change (SIFT: "Tolerated"; PolyPhen-2: "Probably Damaging"; Align-GVGD: "Class C0"). In summary, the available evidence is currently insufficient to determine the role of this variant in disease. Therefore, it has been classified as a Variant of Uncertain Significance.